The following is an entry in ClinVar:

ClinVar aggregate classification (germline): Uncertain significance (1 of 4 stars; one submission).

Conditions:
Early-infantile DEE. Also called: Ohtahara syndrome; Early infantile epileptic encephalopathy; Early infantile epileptic encephalopathy with suppression bursts. Identifiers: Orphanet 1934, MedGen C0393706, MONDO:0800491.

gnomAD v4.1: 1 of 1,613,988 alleles (0.000062%); highest among the groups gnomAD compares: Middle Eastern, 0.017%; no homozygotes.

Submission:

Labcorp Genetics (formerly Invitae), Labcorp
Classification: Uncertain significance for Early-infantile DEE. Last evaluated: 2020-09-03. Review status: criteria provided, single submitter. Criteria: Invitae Variant Classification Sherloc (09022015). Collection method: clinical testing. Allele origin: germline.
Comment: In summary, the available evidence is currently insufficient to determine the role of this variant in disease. Therefore, it has been classified as a Variant of Uncertain Significance. Nucleotide substitutions within the consensus splice site are a relatively common cause of aberrant splicing (PMID: 17576681, 9536098). Algorithms developed to predict the effect of sequence changes on RNA splicing suggest that this variant is not likely to affect RNA splicing, but this prediction has not been confirmed by published transcriptional studies. This variant has not been reported in the literature in individuals with SPTAN1-related conditions. This variant is not present in population databases (ExAC no frequency). This sequence change falls in intron 32 of the SPTAN1 gene. It does not directly change the encoded amino acid sequence of the SPTAN1 protein, but it affects a nucleotide within the consensus splice site of the intron.

Literature cited by the submitters: PubMed 17576681; PubMed 9536098.

NM_001130438.3(SPTAN1):c.4146+4G>C

Gene: SPTAN1 (spectrin alpha, non-erythrocytic 1; plus strand). Cytogenetic location: 9q34.11.
Variant type: single nucleotide variant.
Coding change: c.4146+4G>C on transcript NM_001130438.3 (MANE Select); 4 bases into the intron after coding-DNA position 4146, G replaced by C.
Molecular consequence: intron variant.
Genome position (GRCh38, 1-based): chr9:128,607,707, G>C. VCF-style: chr9-128607707-G-C. GRCh37 (hg19) VCF-style: chr9-131369986-G-C.
Other names: c.4182+4G>C (NM_001375318.1, NM_001375312.2); c.4146+4G>C (NM_001375311.2, NM_001375310.1, NM_001363759.2 and 2 more transcripts); c.4086+4G>C (NM_001375314.2, NM_001363765.2, NM_001195532.2).
Identifiers: ClinVar variation 1037952 (VCV001037952.7), dbSNP rs1856067067, ClinGen allele CA1880359603.